The following is an entry in ClinVar:

NM_020702.5(MYORG):c.1799T>G (p.Val600Gly)

Gene: MYORG (myogenesis regulating glycosidase; minus strand). Cytogenetic location: 9p13.3.
Variant type: single nucleotide variant.
Coding change: c.1799T>G on transcript NM_020702.5 (MANE Select); coding-DNA position 1799, T replaced by G.
Protein change: p.Val600Gly; replaces valine 600 with glycine.
Molecular consequence: missense variant.
Genome position (GRCh38, 1-based): chr9:34,371,145, A>C on the plus strand (T>G on the coding strand, the complement: MYORG is on the minus strand). VCF-style: chr9-34371145-A-C. GRCh37 (hg19) VCF-style: chr9-34371143-A-C.
Other names: short protein forms V600G.
Identifiers: ClinVar variation 2571332 (VCV002571332.27), dbSNP rs2491649004, ClinGen allele CA373239906.

ClinVar aggregate classification (germline): Uncertain significance (1 of 4 stars; one submission).

Submission:

CeGaT Center for Human Genetics Tuebingen
Classification: Uncertain significance. Last evaluated: 2023-04-01. Review status: criteria provided, single submitter. Criteria: CeGaT Center For Human Genetics Tuebingen Variant Classification Criteria Version 2. Collection method: clinical testing. Allele origin: germline. Affected: yes. Observed: 1 variant allele.
Comment: MYORG: PM2, PP4